The following is an entry in ClinVar:

NM_001127178.3(PIGG):c.1208A>C (p.Asn403Thr)

Gene: PIGG (phosphatidylinositol glycan anchor biosynthesis class G (EMM blood group); plus strand). Cytogenetic location: 4p16.3.
Variant type: single nucleotide variant.
Coding change: c.1208A>C on transcript NM_001127178.3 (MANE Select); coding-DNA position 1208, A replaced by C.
Protein change: p.Asn403Thr; replaces asparagine 403 with threonine.
Molecular consequence: missense variant. On other transcripts: 5 prime UTR variant (2), non-coding transcript variant (10), intron variant (1).
Genome position (GRCh38, 1-based): chr4:521,149, A>C. VCF-style: chr4-521149-A-C. GRCh37 (hg19) VCF-style: chr4-514938-A-C.
Other names: c.941A>C, p.Asn314Thr (NM_001289051.2, NM_001289053.2, NM_001345986.2 and 1 more transcripts); c.809A>C, p.Asn270Thr (NM_001289052.2); c.842A>C, p.Asn281Thr (NM_001289055.2); c.179A>C, p.Asn60Thr (NM_001345988.2); c.1208A>C, p.Asn403Thr (NM_001345989.2, NM_017733.5); c.-280A>C (NM_001345990.2, NM_001345991.2); c.134A>C, p.Asn45Thr (NM_001345994.2); c.848-511A>C (NM_001289057.2); short protein forms N403T, N60T, N270T, N45T, N281T, N314T.
Identifiers: ClinVar variation 1427023 (VCV001427023.5), dbSNP rs139826164, ClinGen allele CA2793243.

ClinVar aggregate classification (germline): Uncertain significance (1 of 4 stars; one submission).

Conditions:
Intellectual disability, autosomal recessive 53 (NEDHSCA). Also called: NEURODEVELOPMENTAL DISORDER WITH OR WITHOUT HYPOTONIA, SEIZURES, AND CEREBELLAR ATROPHY; GLYCOSYLPHOSPHATIDYLINOSITOL BIOSYNTHESIS DEFECT 13; Mental retardation, autosomal recessive 53. Identifiers: Orphanet 488635, MedGen C4310794, MONDO:0014832, OMIM 616917.

Allele frequency attached by ClinVar (database versions not stated): gnomAD 0.00002; TOPMed 0.00003; ESP Exome Variant Server 0.00008.
gnomAD v4.1: 7 of 1,614,006 alleles (0.00043%); highest among the groups gnomAD compares: African/African-American, 0.0067%; no homozygotes.

Submission:

Labcorp Genetics (formerly Invitae), Labcorp
Classification: Uncertain significance for Intellectual disability, autosomal recessive 53. Last evaluated: 2021-08-31. Review status: criteria provided, single submitter. Criteria: Invitae Variant Classification Sherloc (09022015). Collection method: clinical testing. Allele origin: germline.
Comment: This sequence change replaces asparagine with threonine at codon 403 of the PIGG protein (p.Asn403Thr). The asparagine residue is moderately conserved and there is a small physicochemical difference between asparagine and threonine. This variant is present in population databases (rs139826164, ExAC 0.01%). This variant has not been reported in the literature in individuals affected with PIGG-related conditions. Algorithms developed to predict the effect of missense changes on protein structure and function are either unavailable or do not agree on the potential impact of this missense change (SIFT: "Tolerated"; PolyPhen-2: "Possibly Damaging"; Align-GVGD: "Class C0"). In summary, the available evidence is currently insufficient to determine the role of this variant in disease. Therefore, it has been classified as a Variant of Uncertain Significance.